The following is an entry in ClinVar:

ClinVar aggregate classification (germline): Uncertain significance (1 of 4 stars; one submission).

Conditions:
Early-infantile DEE. Also called: Early infantile epileptic encephalopathy; Ohtahara syndrome; Early infantile epileptic encephalopathy with suppression bursts. Identifiers: Orphanet 1934, MedGen C0393706, MONDO:0800491.

Allele frequency attached by ClinVar (database versions not stated): gnomAD exomes 0.00002; ExAC 0.00004.
gnomAD v4.1: 25 of 1,601,780 alleles (0.0016%); highest among the groups gnomAD compares: East Asian, 0.053%; no homozygotes.

Submission:

Labcorp Genetics (formerly Invitae), Labcorp
Classification: Uncertain significance for Early-infantile DEE. Last evaluated: 2024-05-03. Review status: criteria provided, single submitter. Criteria: Invitae Variant Classification Sherloc (09022015). Collection method: clinical testing. Allele origin: germline.
Comment: This sequence change replaces glycine, which is neutral and non-polar, with serine, which is neutral and polar, at codon 656 of the SCN8A protein (p.Gly656Ser). This variant is present in population databases (rs759683682, gnomAD 0.04%). This variant has not been reported in the literature in individuals affected with SCN8A-related conditions. Advanced modeling of protein sequence and biophysical properties (such as structural, functional, and spatial information, amino acid conservation, physicochemical variation, residue mobility, and thermodynamic stability) performed at Invitae indicates that this missense variant is not expected to disrupt SCN8A protein function with a negative predictive value of 95%. In summary, the available evidence is currently insufficient to determine the role of this variant in disease. Therefore, it has been classified as a Variant of Uncertain Significance.

NM_001330260.2(SCN8A):c.1966G>A (p.Gly656Ser)

Gene: SCN8A (sodium voltage-gated channel alpha subunit 8; plus strand). Cytogenetic location: 12q13.13.
Variant type: single nucleotide variant.
Coding change: c.1966G>A on transcript NM_001330260.2 (MANE Select); coding-DNA position 1966, G replaced by A.
Protein change: p.Gly656Ser; replaces glycine 656 with serine.
Molecular consequence: missense variant.
Genome position (GRCh38, 1-based): chr12:51,721,876, G>A. VCF-style: chr12-51721876-G-A. GRCh37 (hg19) VCF-style: chr12-52115660-G-A.
Other names: c.1966G>A, p.Gly656Ser (NM_001177984.3, NM_001369788.1, NM_014191.4); short protein forms G656S.
Identifiers: ClinVar variation 3013177 (VCV003013177.3), dbSNP rs759683682, ClinGen allele CA6571368.